The following is an entry in ClinVar:

NM_001267550.2(TTN):c.27328+19C>G

Gene: TTN (titin; minus strand). Cytogenetic location: 2q31.2.
Variant type: single nucleotide variant.
Coding change: c.27328+19C>G on transcript NM_001267550.2 (MANE Select); 19 bases into the intron after coding-DNA position 27328, C replaced by G.
Molecular consequence: intron variant.
Genome position (GRCh38, 1-based): chr2:178,712,678, G>C on the plus strand (C>G on the coding strand, the complement: TTN is on the minus strand). VCF-style: chr2-178712678-G-C. GRCh37 (hg19) VCF-style: chr2-179577405-G-C.
Other names: c.13282+25404C>G (NM_003319.4); c.13858+25404C>G (NM_133437.4); c.13657+25404C>G (NM_133432.3); c.23596+19C>G (NM_133378.4); c.26377+19C>G (NM_001256850.1).
Identifiers: ClinVar variation 930383 (VCV000930383.3), dbSNP rs974890499, ClinGen allele CA60965810.
Genomic context (GRCh38, chr2:178,712,678, plus strand): 5'-AAAATCAAACACATATACATACAGACAAAGACACATCTAATTACTAATCGTATAAATCTA[G>C]AAGAGCAGTCTGACAAACCTTTTATGTAGAGATGTGTTGTACAAGAAGCCTTGCCAGCTT-3'

ClinVar aggregate classification (germline): Uncertain significance (1 of 4 stars; one submission).

Conditions:
Tibial muscular dystrophy (TMD). Also called: UDD MYOPATHY; Udd Distal Myopathy – Tibial Muscular Dystrophy; Tibial muscular dystrophy, tardive. Identifiers: Orphanet 609, MedGen C1838244, MONDO:0010870, OMIM 600334.

Submission:

Centre for Mendelian Genomics, University Medical Centre Ljubljana
Classification: Uncertain significance for Tibial muscular dystrophy. Last evaluated: 2019-02-14. Review status: criteria provided, single submitter. Criteria: ACMG Guidelines, 2015. Collection method: clinical testing. Allele origin: unknown. Affected: yes.
Comment: This variant was classified as: Uncertain significance. The available evidence on this variant's pathogenicity is insufficient or conflicting. The following ACMG criteria were applied in classifying this variant: PM2,BP4.